The following is an entry in ClinVar:

NM_001101362.3(KBTBD13):c.143T>C (p.Val48Ala)

Gene: KBTBD13 (kelch repeat and BTB domain containing 13; plus strand). Cytogenetic location: 15q22.31.
Variant type: single nucleotide variant.
Coding change: c.143T>C on transcript NM_001101362.3 (MANE Select); coding-DNA position 143, T replaced by C.
Protein change: p.Val48Ala; replaces valine 48 with alanine.
Molecular consequence: missense variant.
Genome position (GRCh38, 1-based): chr15:65,076,958, T>C. VCF-style: chr15-65076958-T-C. GRCh37 (hg19) VCF-style: chr15-65369296-T-C.
Other names: short protein forms V48A.
Identifiers: ClinVar variation 2847919 (VCV002847919.3), dbSNP rs2506304832, ClinGen allele CA392856706.

ClinVar aggregate classification (germline): Uncertain significance (1 of 4 stars; one submission).

Conditions:
Nemaline myopathy 6 (NEM6). Also called: Nemaline myopathy 6, autosomal dominant. Identifiers: Orphanet 171439, MedGen C1836472, MONDO:0012237, OMIM 609273.

Submission:

Labcorp Genetics (formerly Invitae), Labcorp
Classification: Uncertain significance for Nemaline myopathy 6. Last evaluated: 2023-03-20. Review status: criteria provided, single submitter. Criteria: Invitae Variant Classification Sherloc (09022015). Collection method: clinical testing. Allele origin: germline.
Comment: In summary, the available evidence is currently insufficient to determine the role of this variant in disease. Therefore, it has been classified as a Variant of Uncertain Significance. Advanced modeling of protein sequence and biophysical properties (such as structural, functional, and spatial information, amino acid conservation, physicochemical variation, residue mobility, and thermodynamic stability) performed at Invitae indicates that this missense variant is not expected to disrupt KBTBD13 protein function. This variant has not been reported in the literature in individuals affected with KBTBD13-related conditions. This variant is not present in population databases (gnomAD no frequency). This sequence change replaces valine, which is neutral and non-polar, with alanine, which is neutral and non-polar, at codon 48 of the KBTBD13 protein (p.Val48Ala).